The following is an entry in ClinVar:

NM_205836.3(FBXO38):c.2440G>A (p.Ala814Thr)

Gene: FBXO38 (F-box protein 38; plus strand). Cytogenetic location: 5q32.
Variant type: single nucleotide variant.
Coding change: c.2440G>A on transcript NM_205836.3 (MANE Select); coding-DNA position 2440, G replaced by A.
Protein change: p.Ala814Thr; replaces alanine 814 with threonine.
Molecular consequence: missense variant. On other transcripts: intron variant (2).
Genome position (GRCh38, 1-based): chr5:148,427,734, G>A. VCF-style: chr5-148427734-G-A. GRCh37 (hg19) VCF-style: chr5-147807297-G-A.
Other names: c.2428+12G>A (NM_030793.5); c.1918+2033G>A (NM_001271723.2); short protein forms A814T.
Identifiers: ClinVar variation 1669715 (VCV001669715.34), dbSNP rs201680339, ClinGen allele CA3497513.

ClinVar aggregate classification (germline): Likely benign. Review status: criteria provided, multiple submitters, no conflicts (2 of 4 stars). 3 submissions from 3 submitters: Likely benign (3). Last evaluated 2025-10-19.

Conditions:
Distal hereditary motor neuropathy type 2. Identifiers: Orphanet 139525, MedGen C3711384, MeSH C580044, MONDO:0015352.

Allele frequency attached by ClinVar (database versions not stated): ESP Exome Variant Server 0.00023.
gnomAD v4.1: 140 of 1,613,704 alleles (0.0087%); highest among the groups gnomAD compares: Admixed American, 0.017%; no homozygotes.

Submissions (3):

Labcorp Genetics (formerly Invitae), Labcorp
Classification: Likely benign for Distal hereditary motor neuropathy type 2. Last evaluated: 2025-10-19. Review status: criteria provided, single submitter. Criteria: Invitae Variant Classification Sherloc (09022015). Collection method: clinical testing. Allele origin: germline.

CeGaT Center for Human Genetics Tuebingen
Classification: Likely benign. Last evaluated: 2022-07-01. Review status: criteria provided, single submitter. Criteria: CeGaT Center For Human Genetics Tuebingen Variant Classification Criteria Version 2. Collection method: clinical testing. Allele origin: germline. Affected: yes. Observed: 1 variant allele.
Comment: FBXO38: BP4

Ambry Genetics
Classification: Likely benign. Last evaluated: 2020-07-29. Review status: criteria provided, single submitter. Criteria: Ambry Variant Classification Scheme 2023. Collection method: clinical testing. Allele origin: germline.